The following is an entry in ClinVar:

NM_001354514.2(NDUFAF6):c.-83-7036G>A

Genes: NDUFAF6 (NADH:ubiquinone oxidoreductase complex assembly factor 6; plus strand), LOC113788297 (Sharpr-MPRA regulatory region 2014; plus strand). Cytogenetic location: 8q22.1.
Variant type: single nucleotide variant.
Coding change: c.-83-7036G>A on transcript NM_001354514.2; 7036 bases into the intron before 83 bases upstream of the start codon, G replaced by A.
Molecular consequence: intron variant.
Genome position (GRCh38, 1-based): chr8:95,024,959, G>A. VCF-style: chr8-95024959-G-A. GRCh37 (hg19) VCF-style: chr8-96037187-G-A.
Other names: c.-136-7036G>A (NM_001354534.2); c.-456-7036G>A (NM_001354525.2, NM_001354524.2); c.-383-7036G>A (NM_001354522.2); c.42-7036G>A (NM_001354516.2); c.-83-7036G>A (NM_001354515.2).
Identifiers: ClinVar variation 4796649 (VCV004796649.1).

ClinVar aggregate classification (germline): Uncertain significance (1 of 4 stars; one submission).

gnomAD v4.1: 60 of 1,282,342 alleles (0.0047%); highest among the groups gnomAD compares: Admixed American, 0.088%; no homozygotes.

Submission:

GeneDx
Classification: Uncertain significance. Last evaluated: 2025-08-19. Review status: criteria provided, single submitter. Criteria: GeneDx Variant Classification Process June 2021. Collection method: clinical testing. Allele origin: germline. Affected: yes.
Comment: Located in a region that tolerates variation and lacks pathogenic variants; Has not been previously published as pathogenic or benign to our knowledge; Located in a regulatory region; in the absence of functional studies, the actual effect of this sequence change is unknown